The following is an entry in ClinVar:

NM_000540.3(RYR1):c.7102C>G (p.Leu2368Val)

Gene: RYR1 (ryanodine receptor 1; plus strand). Cytogenetic location: 19q13.2.
Variant type: single nucleotide variant.
Coding change: c.7102C>G on transcript NM_000540.3 (MANE Select); coding-DNA position 7102, C replaced by G.
Protein change: p.Leu2368Val; replaces leucine 2368 with valine.
Molecular consequence: missense variant.
Genome position (GRCh38, 1-based): chr19:38,499,709, C>G. VCF-style: chr19-38499709-C-G. GRCh37 (hg19) VCF-style: chr19-38990349-C-G.
Other names: c.7102C>G, p.Leu2368Val (NM_001042723.2); short protein forms L2368V.
Identifiers: ClinVar variation 426424 (VCV000426424.18), dbSNP rs139498212, ClinGen allele CA069148.

ClinVar aggregate classification (germline): Uncertain significance. Review status: criteria provided, multiple submitters, no conflicts (2 of 4 stars). 7 submissions from 7 submitters: Uncertain significance (7). Last evaluated 2026-02-02.

Conditions:
Malignant hyperthermia, susceptibility to, 1 (MHS1). Also called: Anesthesia related hyperthermia; Malignant hyperpyrexia; Fulminating hyperpyrexia; Pharmacogenic myopathy; RYR1-Related Malignant Hyperthermia Susceptibility; Malignant hyperthermia suceptibility 1. Identifiers: Orphanet 423, MedGen C2930980, MONDO:0007783, OMIM 145600.
Central core myopathy (CMYO1A). Also called: Central core disease; Myopathy, central fibrillar; CONGENITAL MYOPATHY 1A, AUTOSOMAL DOMINANT, WITH SUSCEPTIBILITY TO MALIGNANT HYPERTHERMIA. Identifiers: Orphanet 597, MedGen C5830701, MONDO:0007294, OMIM 117000.
Congenital myopathy with fiber type disproportion. Also called: Congenital fiber-type disproportion myopathy; Congenital fiber-type disproportion. Identifiers: Orphanet 2020, MedGen C0546264, MONDO:0009711. Inheritance: all.
Congenital multicore myopathy with external ophthalmoplegia (CMYO1B). Also called: Minicore myopathy with external ophthalmoplegia; MULTIMINICORE DISEASE WITH EXTERNAL OPHTHALMOPLEGIA; MULTICORE MYOPATHY; Congenital myopathy 1B, autosomal recessive; Minicore myopathy. Identifiers: Orphanet 598, Orphanet 98905, MedGen C1850674, MONDO:0009712, OMIM 255320, HP:0003789.
King Denborough syndrome (KDS). Identifiers: MedGen C1840365, MONDO:0020485, OMIM 619542.
RYR1-related disorder. Also called: RYR1-related disorders; RYR1-related condition. Identifiers: MedGen CN239331.

Allele frequency attached by ClinVar (database versions not stated): ExAC 0.00010; 1000 Genomes Project 30x 0.00016; 1000 Genomes Project 0.00020; gnomAD 0.00026; TOPMed 0.00030.
gnomAD v4.1: 46 of 1,601,518 alleles (0.0029%); highest among the groups gnomAD compares: African/African-American, 0.055%; no homozygotes.

Submissions (7):

Labcorp Genetics (formerly Invitae), Labcorp
Classification: Uncertain significance for RYR1-related disorder. Last evaluated: 2026-02-02. Review status: criteria provided, single submitter. Criteria: Invitae Variant Classification Sherloc (09022015). Collection method: clinical testing. Allele origin: germline.
Comment: This sequence change replaces leucine, which is neutral and non-polar, with valine, which is neutral and non-polar, at codon 2368 of the RYR1 protein (p.Leu2368Val). This variant is present in population databases (rs139498212, gnomAD 0.08%). This missense change has been observed in individual(s) with myopathy (PMID: 32236737). ClinVar contains an entry for this variant (Variation ID: 426424). Invitae Evidence Modeling of protein sequence and biophysical properties (such as structural, functional, and spatial information, amino acid conservation, physicochemical variation, residue mobility, and thermodynamic stability) indicates that this missense variant is expected to disrupt RYR1 protein function with a positive predictive value of 80%. In summary, the available evidence is currently insufficient to determine the role of this variant in disease. Therefore, it has been classified as a Variant of Uncertain Significance.

Revvity Omics, Revvity
Classification: Uncertain significance. Last evaluated: 2025-02-25. Review status: criteria provided, single submitter. Criteria: ACMG Guidelines, 2015. Collection method: clinical testing. Allele origin: germline.

GeneDx
Classification: Uncertain significance. Last evaluated: 2024-12-30. Review status: criteria provided, single submitter. Criteria: GeneDx Variant Classification Process June 2021. Collection method: clinical testing. Allele origin: germline. Affected: yes.
Comment: Reported previously in a patient with a presumed RYR1-related disorder; however, no specific clinical or segregation information was provided (PMID: 32236737); In silico analysis supports that this missense variant has a deleterious effect on protein structure/function; This variant is associated with the following publications: (PMID: 12668474, 33767344, 32236737)

Blueprint Genetics
Classification: Uncertain significance. Last evaluated: 2024-03-05. Review status: criteria provided, single submitter. Criteria: ACMG Guidelines, 2015. Collection method: clinical testing. Allele origin: germline.

Color Diagnostics, LLC DBA Color Health
Classification: Uncertain significance for Malignant hyperthermia, susceptibility to, 1. Last evaluated: 2023-09-14. Review status: criteria provided, single submitter. Criteria: ACMG Guidelines, 2015. Collection method: clinical testing. Allele origin: germline.
Comment: This missense variant replaces leucine with valine at codon 2368 of the RYR1 protein. Computational prediction suggests that this variant may have deleterious impact on protein structure and function. This variant occurs in a region of the RYR1 protein that is considered to be a hotspot for pathogenic variants that contribute to malignant hyperthermia susceptibility (PMID: 21118704). To our knowledge, functional studies have not been reported for this variant. This variant has not been reported in individuals affected with RYR1-related disorders in the literature. This variant occurs at an elevated frequency in the general population and has been identified in 21/270084 chromosomes (19/24402 African chromosomes) by the Genome Aggregation Database (gnomAD). The available evidence is insufficient to determine the role of this variant in disease conclusively. Therefore, this variant is classified as a Variant of Uncertain Significance.

Fulgent Genetics
Classification: Uncertain significance for Central core myopathy; Malignant hyperthermia, susceptibility to, 1; Congenital myopathy 4A, autosomal dominant; Congenital multicore myopathy with external ophthalmoplegia; King Denborough syndrome. Last evaluated: 2021-08-30. Review status: criteria provided, single submitter. Criteria: ACMG Guidelines, 2015. Collection method: clinical testing. Allele origin: unknown.

PreventionGenetics, part of Exact Sciences
Classification: Uncertain significance. Last evaluated: 2016-07-11. Review status: criteria provided, single submitter. Criteria: ACMG Guidelines, 2015. Collection method: clinical testing. Allele origin: germline.

Literature cited by the submitters: PubMed 32236737 (cited by Labcorp Genetics (formerly Invitae), Labcorp); PubMed 21118704 (cited by Color Diagnostics, LLC DBA Color Health).